The following is an entry in ClinVar:

ClinVar aggregate classification (germline): Pathogenic (1 of 4 stars; one submission).

Submission:

Labcorp Genetics (formerly Invitae), Labcorp
Classification: Pathogenic. Last evaluated: 2022-04-08. Review status: criteria provided, single submitter. Criteria: Invitae Variant Classification Sherloc (09022015). Collection method: clinical testing. Allele origin: germline.
Comment: For these reasons, this variant has been classified as Pathogenic. This variant has not been reported in the literature in individuals affected with CDH23-related conditions. This variant is present in population databases (no rsID available, gnomAD 0.003%). This sequence change creates a premature translational stop signal (p.Asp1648Hisfs*16) in the CDH23 gene. It is expected to result in an absent or disrupted protein product. Loss-of-function variants in CDH23 are known to be pathogenic (PMID: 11138009, 21940737).

Literature cited by the submitters: PubMed 11138009; PubMed 21940737.

NM_022124.6(CDH23):c.4942_4943del (p.Asp1648fs)

Gene: CDH23 (cadherin related 23; plus strand). Cytogenetic location: 10q22.1.
Variant type: Deletion.
Coding change: c.4942_4943del on transcript NM_022124.6 (MANE Select); coding-DNA positions 4942 to 4943, 2 bases deleted (GA; older notation c.4942_4943delGA).
Protein change: p.Asp1648fs; shifts the reading frame from aspartic acid 1648.
Molecular consequence: frameshift variant.
Genome position (GRCh38, 1-based): chr10:71,777,776-71,777,777, GA deleted; deleting any 2 consecutive bases within chr10:71,777,775-71,777,777 gives the same sequence; the c. name uses the placement nearest the transcript's 3' end. VCF-style (leftmost placement, unchanged base first): chr10-71777774-CAG-C. GRCh37 (hg19) VCF-style: chr10-73537531-CAG-C.
Other names: short protein forms D1648fs.
Identifiers: ClinVar variation 1397503 (VCV001397503.6), dbSNP rs1564788732, ClinGen allele CA594705907.